The following is an entry in ClinVar:

ClinVar aggregate classification (germline): Uncertain significance. Review status: criteria provided, multiple submitters, no conflicts (2 of 4 stars). 3 submissions from 3 submitters: Uncertain significance (2). 1 of the submissions does not count toward it. Last evaluated 2025-10-17.

Conditions:
Autosomal dominant hypocalcemia 1 (HYPOC1). Also called: HYPOCALCEMIA, FAMILIAL. Identifiers: MedGen C3715128, MONDO:0011013, OMIM 601198.
Familial hypocalciuric hypercalcemia (FHH). Also called: Familial benign hypercalcemia. Identifiers: Orphanet 405, MedGen C1809471, MONDO:0018458.
Neonatal severe primary hyperparathyroidism. Identifiers: Orphanet 417, MedGen C1832615, MONDO:0009397, OMIM 239200.
Epilepsy, idiopathic generalized, susceptibility to, 8. Identifiers: MedGen C2752062, MONDO:0013032, OMIM 612899.
Familial hypocalciuric hypercalcemia 1. Also called: Hypercalcemia, familial benign type 1. Identifiers: Orphanet 405, Orphanet 93372, MedGen C0342637, MONDO:0007791, OMIM 145980.

Submissions (3):

Labcorp Genetics (formerly Invitae), Labcorp
Classification: Uncertain significance for Familial hypocalciuric hypercalcemia; Autosomal dominant hypocalcemia 1. Last evaluated: 2025-10-17. Review status: criteria provided, single submitter. Criteria: Invitae Variant Classification Sherloc (09022015). Collection method: clinical testing. Allele origin: germline.
Comment: This sequence change replaces arginine, which is basic and polar, with cysteine, which is neutral and slightly polar, at codon 286 of the CASR protein (p.Arg286Cys). This variant is not present in population databases (gnomAD no frequency). This missense change has been observed in individual(s) with breast cancer (PMID: 35957908). ClinVar contains an entry for this variant (Variation ID: 410322). An algorithm developed to predict the effect of missense changes on protein structure and function (PolyPhen-2) suggests that this variant is likely to be disruptive. In summary, the available evidence is currently insufficient to determine the role of this variant in disease. Therefore, it has been classified as a Variant of Uncertain Significance.

Fulgent Genetics
Classification: Uncertain significance for Familial hypocalciuric hypercalcemia 1; Neonatal severe primary hyperparathyroidism; Autosomal dominant hypocalcemia 1; Epilepsy, idiopathic generalized, susceptibility to, 8. Last evaluated: 2022-05-04. Review status: criteria provided, single submitter. Criteria: ACMG Guidelines, 2015. Collection method: clinical testing. Allele origin: unknown.

Chinese Inherited Urolithiasis Consortium, The Affiliated Yantai Yuhuangding Hospital of Qingdao University
Classification: Likely pathogenic for Autosomal dominant hypocalcemia 1. Last evaluated: 2024-08-26. Review status: no assertion criteria provided. Collection method: clinical testing. Allele origin: biparental. Affected: yes. Observed: 1 variant allele. Not counted in ClinVar's aggregate classification.

Literature cited by the submitters: PubMed 35957908 (cited by Labcorp Genetics (formerly Invitae), Labcorp).

NM_000388.4(CASR):c.856C>T (p.Arg286Cys)

Gene: CASR (calcium sensing receptor; plus strand). Cytogenetic location: 3q21.1.
Variant type: single nucleotide variant.
Coding change: c.856C>T on transcript NM_000388.4 (MANE Select); coding-DNA position 856, C replaced by T.
Protein change: p.Arg286Cys; replaces arginine 286 with cysteine.
Molecular consequence: missense variant.
Genome position (GRCh38, 1-based): chr3:122,261,891, C>T. VCF-style: chr3-122261891-C-T. GRCh37 (hg19) VCF-style: chr3-121980738-C-T.
Other names: c.856C>T, p.Arg286Cys (NM_001178065.2); short protein forms R286C.
Identifiers: ClinVar variation 410322 (VCV000410322.13), dbSNP rs1060502843, ClinGen allele CA16611296.
Genomic context (GRCh38, chr3:122,261,891, plus strand): 5'-GTCATCGTGGTTTTCTCCAGTGGCCCAGATCTTGAGCCCCTCATCAAGGAGATTGTCCGG[C>T]GCAATATCACGGGCAAGATCTGGCTGGCCAGCGAGGCCTGGGCCAGCTCCTCCCTGATCG-3'
Protein context (NP_000379.3, residues 276-296): LEPLIKEIVR[Arg286Cys]NITGKIWLAS